The following is an entry in ClinVar:

ClinVar aggregate classification (germline): Uncertain significance (1 of 4 stars; one submission).

gnomAD v4.1: 1 of 1,614,084 alleles (0.000062%); no homozygotes.

Submission:

Labcorp Genetics (formerly Invitae), Labcorp
Classification: Uncertain significance. Last evaluated: 2025-10-10. Review status: criteria provided, single submitter. Criteria: Invitae Variant Classification Sherloc (09022015). Collection method: clinical testing. Allele origin: germline.
Comment: This sequence change replaces methionine, which is neutral and non-polar, with valine, which is neutral and non-polar, at codon 235 of the PPOX protein (p.Met235Val). This variant is present in population databases (no rsID available, gnomAD 0.003%). This variant has not been reported in the literature in individuals affected with PPOX-related conditions. Invitae Evidence Modeling of protein sequence and biophysical properties (such as structural, functional, and spatial information, amino acid conservation, physicochemical variation, residue mobility, and thermodynamic stability) indicates that this missense variant is not expected to disrupt PPOX protein function with a negative predictive value of 95%. In summary, the available evidence is currently insufficient to determine the role of this variant in disease. Therefore, it has been classified as a Variant of Uncertain Significance.

NM_001122764.3(PPOX):c.703A>G (p.Met235Val)

Gene: PPOX (protoporphyrinogen oxidase; plus strand). Cytogenetic location: 1q23.3.
Variant type: single nucleotide variant.
Coding change: c.703A>G on transcript NM_001122764.3 (MANE Select); coding-DNA position 703, A replaced by G.
Protein change: p.Met235Val; replaces methionine 235 with valine.
Molecular consequence: missense variant.
Genome position (GRCh38, 1-based): chr1:161,169,079, A>G. VCF-style: chr1-161169079-A-G. GRCh37 (hg19) VCF-style: chr1-161138869-A-G.
Other names: c.703A>G, p.Met235Val (NM_000309.5, NM_001365398.1, NM_001365399.1); c.604A>G, p.Met202Val (NM_001350128.2); c.295A>G, p.Met99Val (NM_001350129.2, NM_001365400.1); c.217A>G, p.Met73Val (NM_001350130.2, NM_001350131.2, NM_001365401.1); short protein forms M99V, M73V, M202V, M235V.
Identifiers: ClinVar variation 4782309 (VCV004782309.1).